The following is an entry in ClinVar:

NM_005732.4(RAD50):c.3384T>A (p.Leu1128=)

Gene: RAD50 (RAD50 double strand break repair protein; plus strand). Cytogenetic location: 5q31.1.
Variant type: single nucleotide variant.
Coding change: c.3384T>A on transcript NM_005732.4 (MANE Select); coding-DNA position 3384, T replaced by A.
Protein change: p.Leu1128=; no amino-acid change (leucine 1128 retained).
Molecular consequence: synonymous variant.
Genome position (GRCh38, 1-based): chr5:132,618,289, T>A. VCF-style: chr5-132618289-T-A. GRCh37 (hg19) VCF-style: chr5-131953981-T-A.
Identifiers: ClinVar variation 414934 (VCV000414934.14), dbSNP rs1060504387, ClinGen allele CA16611856.

ClinVar aggregate classification (germline): Likely benign. Review status: criteria provided, multiple submitters, no conflicts (2 of 4 stars). 3 submissions from 3 submitters: Likely benign (2). 1 of the submissions does not count toward it. Last evaluated 2023-03-26.

Conditions:
RAD50-related disorder. Also called: RAD50-related condition.
Hereditary cancer-predisposing syndrome. Also called: Tumor predisposition; Neoplastic Syndromes, Hereditary; Hereditary neoplastic syndrome; Hereditary Cancer Syndrome. Identifiers: Orphanet 140162, MedGen C0027672, MeSH D009386, MONDO:0015356.

Allele frequency attached by ClinVar (database versions not stated): TOPMed below 0.00001; gnomAD 0.00001.
gnomAD v4.1: 1 of 1,613,878 alleles (0.000062%); highest among the groups gnomAD compares: African/African-American, 0.0013%; no homozygotes.

Submissions (3):

Labcorp Genetics (formerly Invitae), Labcorp
Classification: Likely benign for Hereditary cancer-predisposing syndrome. Last evaluated: 2023-03-26. Review status: criteria provided, single submitter. Criteria: Invitae Variant Classification Sherloc (09022015). Collection method: clinical testing. Allele origin: germline.

Ambry Genetics
Classification: Likely benign for Hereditary cancer-predisposing syndrome. Last evaluated: 2019-08-08. Review status: criteria provided, single submitter. Criteria: Ambry Variant Classification Scheme 2023. Collection method: clinical testing. Allele origin: germline.

PreventionGenetics, part of Exact Sciences
Classification: Likely benign for RAD50-related condition. Last evaluated: 2023-01-26. Review status: no assertion criteria provided. Collection method: clinical testing. Allele origin: germline. Not counted in ClinVar's aggregate classification.
Comment: This variant is classified as likely benign based on ACMG/AMP sequence variant interpretation guidelines (Richards et al. 2015 PMID: 25741868, with internal and published modifications).